The following is an entry in ClinVar:

ClinVar aggregate classification (germline): Pathogenic. Review status: criteria provided, multiple submitters, no conflicts (2 of 4 stars). 9 submissions from 9 submitters: Pathogenic (5). 4 of the submissions do not count toward it. Last evaluated 2025-09-24.

Conditions:
CLCN5-related disorder. Also called: CLCN5-related condition.
Dent disease type 1 (DENT1). Also called: NEPHROLITHIASIS 2; NEPHROLITHIASIS, HYPERCALCIURIC, X-LINKED. Identifiers: Orphanet 1652, Orphanet 93622, MedGen C1848336, MONDO:0010225, OMIM 300009.

gnomAD v4.1: 1 of 1,206,717 alleles (0.000083%); highest among the groups gnomAD compares: Non-Finnish European, 0.00011%; no homozygotes.

Submissions (9):

Genesolutions, Medical Genetics Institutes, Ho Chi Minh City, Vietnam
Classification: Pathogenic for Dent disease type 1. Last evaluated: 2025-09-24. Review status: criteria provided, single submitter. Criteria: ACMG Guidelines, 2015. Collection method: clinical testing. Allele origin: germline. Affected: yes.

Labcorp Genetics (formerly Invitae), Labcorp
Classification: Pathogenic. Last evaluated: 2025-06-12. Review status: criteria provided, single submitter. Criteria: Invitae Variant Classification Sherloc (09022015). Collection method: clinical testing. Allele origin: germline.
Comment: This sequence change creates a premature translational stop signal (p.Arg648*) in the CLCN5 gene. It is expected to result in an absent or disrupted protein product. Loss-of-function variants in CLCN5 are known to be pathogenic (PMID: 22876375, 25907713). This variant is not present in population databases (gnomAD no frequency). This premature translational stop signal has been observed in individual(s) with Dent disease (PMID: 8559248, 27889724). ClinVar contains an entry for this variant (Variation ID: 11797). For these reasons, this variant has been classified as Pathogenic.

Laboratory of Cyto-molecular Genetics, Department of Anatomy, All India Institute of Medical Sciences (AIIMS), New Delhi
Classification: Pathogenic for Dent disease type 1. Last evaluated: 2022-03-07. Review status: criteria provided, single submitter. Criteria: ACMG Guidelines, 2015. Collection method: clinical testing. Allele origin: germline. Affected: yes. Observed: 2 variant alleles.
Comment: p.(Arg718*), nonsense variant

Revvity Omics, Revvity
Classification: Pathogenic. Last evaluated: 2021-02-23. Review status: criteria provided, single submitter. Criteria: ACMG Guidelines, 2015. Collection method: clinical testing. Allele origin: germline.

Blueprint Genetics
Classification: Pathogenic for CLCN5-related disorders. Last evaluated: 2019-07-22. Review status: criteria provided, single submitter. Criteria: ACMG Guidelines, 2015. Collection method: clinical testing. Allele origin: germline. Affected: yes. Observed: 2 variant alleles.

OMIM
Classification: Pathogenic for DENT DISEASE 1. Last evaluated: 1997-08-01. Review status: no assertion criteria provided. Collection method: literature only. Allele origin: germline. Not counted in ClinVar's aggregate classification.

Clinical Genetics DNA and cytogenetics Diagnostics Lab, Erasmus MC, Erasmus Medical Center
Classification: Pathogenic. Review status: no assertion criteria provided. Collection method: clinical testing. Allele origin: germline. Affected: yes. Study: VKGL Data-share Consensus. Not counted in ClinVar's aggregate classification.

GeneReviews
No classification provided. Condition: Dent disease type 1. Review status: no classification provided. Collection method: literature only. Allele origin: germline. Affected: yes. Not counted in ClinVar's aggregate classification.

Joint Genome Diagnostic Labs from Nijmegen and Maastricht, Radboudumc and MUMC+
Classification: Pathogenic. Review status: no assertion criteria provided. Collection method: clinical testing. Allele origin: germline. Affected: yes. Study: VKGL Data-share Consensus. Not counted in ClinVar's aggregate classification.

Literature cited by the submitters: PubMed 22876375 (cited by Labcorp Genetics (formerly Invitae), Labcorp); PubMed 25907713 (cited by Labcorp Genetics (formerly Invitae), Labcorp); PubMed 8559248 (cited by 3 submitters); PubMed 27889724 (cited by Labcorp Genetics (formerly Invitae), Labcorp); PubMed 35738466 (cited by Laboratory of Cyto-molecular Genetics, Department of Anatomy, All India Institute of Medical Sciences (AIIMS), New Delhi); PubMed 9259268 (cited by OMIM); PubMed 9062355 (cited by GeneReviews); PubMed 9853249 (cited by GeneReviews); PubMed 10469281 (cited by GeneReviews); PubMed 16822791 (cited by GeneReviews); PubMed 19806368 (cited by GeneReviews); NCBI Bookshelf NBK99494 (cited by GeneReviews).

NM_001127898.4(CLCN5):c.2152C>T (p.Arg718Ter)

Genes: CLCN5 (Cl-/H+ antiporter 5; plus strand), LOC126863258 (BRD4-independent group 4 enhancer GRCh37_chrX:49854497-49855696; plus strand). Cytogenetic location: Xp11.23.
Variant type: single nucleotide variant.
Coding change: c.2152C>T on transcript NM_001127898.4 (MANE Select); coding-DNA position 2152, C replaced by T.
Protein change: p.Arg718Ter; replaces arginine 718 with a stop codon.
Molecular consequence: nonsense.
Genome position (GRCh38, 1-based): chrX:50,090,678, C>T. VCF-style: chrX-50090678-C-T. GRCh37 (hg19) VCF-style: chrX-49855335-C-T.
Other names: c.1942C>T, p.Arg648Ter (NM_000084.5); c.2152C>T, p.Arg718Ter (NM_001127899.4); c.2002C>T, p.Arg668Ter (NM_001282163.2); short protein forms R648*, R718*, R668*.
Identifiers: ClinVar variation 11797 (VCV000011797.18), dbSNP rs151340621, ClinGen allele CA341138.